The following is an entry in ClinVar:

NM_001182.5(ALDH7A1):c.*1741T>A

Gene: ALDH7A1 (aldehyde dehydrogenase 7 family member A1; minus strand). Cytogenetic location: 5q23.2.
Variant type: single nucleotide variant.
Coding change: c.*1741T>A on transcript NM_001182.5 (MANE Select); 1741 bases downstream of the stop codon, T replaced by A.
Molecular consequence: 3 prime UTR variant.
Genome position (GRCh38, 1-based): chr5:126,543,224, A>T on the plus strand (T>A on the coding strand, the complement: ALDH7A1 is on the minus strand). VCF-style: chr5-126543224-A-T. GRCh37 (hg19) VCF-style: chr5-125878916-A-T.
Other names: c.*1741T>A (NM_001201377.2, NM_001202404.2).
Identifiers: ClinVar variation 350547 (VCV000350547.5), dbSNP rs744720, ClinGen allele CA10622385.

ClinVar aggregate classification (germline): Benign (1 of 4 stars; one submission).

Conditions:
Pyridoxine-dependent epilepsy (EPEO4). Also called: Pyridoxine-Dependent Epilepsy - ALDH7A1; PYRIDOXINE DEPENDENCY WITH SEIZURES; EPILEPSY, EARLY-ONSET, 4, VITAMIN B6-DEPENDENT; Pyridoxine-Dependent Seizures. Identifiers: Orphanet 3006, MedGen C1849508, MONDO:0009945, OMIM 266100. Disease mechanism: loss of function.

Allele frequency attached by ClinVar (database versions not stated): 1000 Genomes Project 0.01158; gnomAD 0.01233 and 0.01151; TOPMed 0.01322; 1000 Genomes Project 30x 0.01343.

Submission:

Illumina Laboratory Services, Illumina
Classification: Benign for Pyridoxine-dependent epilepsy. Last evaluated: 2018-01-12. Review status: criteria provided, single submitter. Criteria: ICSL Variant Classification Criteria 13 December 2019. Collection method: clinical testing. Allele origin: germline.
Comment: This variant was observed in the ICSL laboratory as part of a predisposition screen in an ostensibly healthy population. It had not been previously curated by ICSL or reported in the Human Gene Mutation Database (HGMD: prior to June 1st, 2018), and was therefore a candidate for classification through an automated scoring system. Utilizing variant allele frequency, disease prevalence and penetrance estimates, and inheritance mode, an automated score was calculated to assess if this variant is too frequent to cause the disease. Based on the score and internal cut-off values, a variant classified as benign is not then subjected to further curation. The score for this variant resulted in a classification of benign for this disease.